The following is an entry in ClinVar:

NM_018451.5(CPAP):c.850C>T (p.Arg284Cys)

Gene: CPAP (centrosome assembly and centriole elongation protein; minus strand). Cytogenetic location: 13q12.13.
Variant type: single nucleotide variant.
Coding change: c.850C>T on transcript NM_018451.5 (MANE Select); coding-DNA position 850, C replaced by T.
Protein change: p.Arg284Cys; replaces arginine 284 with cysteine.
Molecular consequence: missense variant. On other transcripts: non-coding transcript variant (2).
Genome position (GRCh38, 1-based): chr13:24,909,805, G>A on the plus strand (C>T on the coding strand, the complement: CPAP is on the minus strand). VCF-style: chr13-24909805-G-A. GRCh37 (hg19) VCF-style: chr13-25483943-G-A.
Other names: short protein forms R284C.
Identifiers: ClinVar variation 1316681 (VCV001316681.6), dbSNP rs141469869, ClinGen allele CA6919907.

ClinVar aggregate classification (germline): Uncertain significance. Review status: criteria provided, multiple submitters, no conflicts (2 of 4 stars). 2 submissions from 2 submitters: Uncertain significance (2). Last evaluated 2022-10-13.

Allele frequency attached by ClinVar (database versions not stated): gnomAD exomes 0.00008; ExAC 0.00009; 1000 Genomes Project 30x 0.00016; 1000 Genomes Project 0.00020; gnomAD 0.00025 and 0.00029; ESP Exome Variant Server 0.00031; TOPMed 0.00032.
gnomAD v4.1: 99 of 1,612,170 alleles (0.0061%); highest among the groups gnomAD compares: African/African-American, 0.075%; no homozygotes.

Submissions (2):

Labcorp Genetics (formerly Invitae), Labcorp
Classification: Uncertain significance. Last evaluated: 2022-10-13. Review status: criteria provided, single submitter. Criteria: Invitae Variant Classification Sherloc (09022015). Collection method: clinical testing. Allele origin: germline.
Comment: This sequence change replaces arginine, which is basic and polar, with cysteine, which is neutral and slightly polar, at codon 284 of the CENPJ protein (p.Arg284Cys). This variant is present in population databases (rs141469869, gnomAD 0.07%). This variant has not been reported in the literature in individuals affected with CENPJ-related conditions. ClinVar contains an entry for this variant (Variation ID: 1316681). Advanced modeling of protein sequence and biophysical properties (such as structural, functional, and spatial information, amino acid conservation, physicochemical variation, residue mobility, and thermodynamic stability) performed at Invitae indicates that this missense variant is not expected to disrupt CENPJ protein function. In summary, the available evidence is currently insufficient to determine the role of this variant in disease. Therefore, it has been classified as a Variant of Uncertain Significance.

GeneDx
Classification: Uncertain significance. Last evaluated: 2020-01-28. Review status: criteria provided, single submitter. Criteria: GeneDx Variant Classification Process June 2021. Collection method: clinical testing. Allele origin: germline. Affected: yes.
Comment: In silico analysis, which includes protein predictors and evolutionary conservation, supports that this variant does not alter protein structure/function; Has not been previously published as pathogenic or benign to our knowledge